The following is an entry in ClinVar:

NM_003334.4(UBA1):c.176+18C>T

Genes: UBA1 (ubiquitin like modifier activating enzyme 1; plus strand), LOC126863253 (CDK7 strongly-dependent group 2 enhancer GRCh37_chrX:47057593-47058792; plus strand). Cytogenetic location: Xp11.3.
Variant type: single nucleotide variant.
Coding change: c.176+18C>T on transcript NM_003334.4 (MANE Select); 18 bases into the intron after coding-DNA position 176, C replaced by T.
Molecular consequence: intron variant.
Genome position (GRCh38, 1-based): chrX:47,199,124, C>T. VCF-style: chrX-47199124-C-T. GRCh37 (hg19) VCF-style: chrX-47058523-C-T.
Other names: c.176+18C>T (NM_153280.3).
Identifiers: ClinVar variation 387030 (VCV000387030.6), dbSNP rs782702800, ClinGen allele CA10395613.

ClinVar aggregate classification (germline): Likely benign. Review status: criteria provided, multiple submitters, no conflicts (2 of 4 stars). 2 submissions from 2 submitters: Likely benign (2). Last evaluated 2025-07-14.

Conditions:
Infantile-onset X-linked spinal muscular atrophy. Also called: Spinal Muscular Atrophy, X-Linked Infantile; AMC, DISTAL, X-LINKED; ARTHROGRYPOSIS, X-LINKED, TYPE I; Spinal muscular atrophy, X-linked 2; SPINAL MUSCULAR ATROPHY, X-LINKED LETHAL INFANTILE. Identifiers: Orphanet 1145, MedGen C1844934, MONDO:0010532, OMIM 301830.

Allele frequency attached by ClinVar (database versions not stated): ExAC 0.00003; gnomAD 0.00003 and 0.00004; gnomAD exomes 0.00004; TOPMed 0.00005.

Submissions (2):

Labcorp Genetics (formerly Invitae), Labcorp
Classification: Likely benign for Infantile-onset X-linked spinal muscular atrophy. Last evaluated: 2025-07-14. Review status: criteria provided, single submitter. Criteria: Invitae Variant Classification Sherloc (09022015). Collection method: clinical testing. Allele origin: germline.

GeneDx
Classification: Likely benign. Last evaluated: 2016-06-23. Review status: criteria provided, single submitter. Criteria: GeneDx Variant Classification (06012015). Collection method: clinical testing. Allele origin: germline. Affected: yes.
Comment: This variant is considered likely benign or benign based on one or more of the following criteria: it is a conservative change, it occurs at a poorly conserved position in the protein, it is predicted to be benign by multiple in silico algorithms, and/or has population frequency not consistent with disease.